The following is an entry in ClinVar:

ClinVar aggregate classification (germline): Pathogenic (1 of 4 stars; one submission).

Conditions:
Hereditary cancer-predisposing syndrome. Also called: Neoplastic Syndromes, Hereditary; Tumor predisposition; Hereditary Cancer Syndrome; Hereditary neoplastic syndrome. Identifiers: Orphanet 140162, MedGen C0027672, MeSH D009386, MONDO:0015356.

Submission:

Ambry Genetics
Classification: Pathogenic for Hereditary cancer-predisposing syndrome. Last evaluated: 2026-05-21. Review status: criteria provided, single submitter. Criteria: Ambry Variant Classification Scheme 2023. Collection method: clinical testing. Allele origin: germline.
Comment: The c.4219dupG pathogenic mutation, located in coding exon 10 of the BRCA2 gene, results from a duplication of G at nucleotide position 4219, causing a translational frameshift with a predicted alternate stop codon (p.E1407Gfs*7). This variant is considered to be rare based on population cohorts in the Genome Aggregation Database (gnomAD). This alteration is expected to result in loss of function by premature protein truncation or nonsense-mediated mRNA decay. As such, this alteration is interpreted as a disease-causing mutation.

NM_000059.4(BRCA2):c.4219dup (p.Glu1407fs)

Gene: BRCA2 (BRCA2 DNA repair associated; plus strand). Cytogenetic location: 13q13.1.
Variant type: Duplication.
Coding change: c.4219dup on transcript NM_000059.4 (MANE Select); coding-DNA position 4219, one base duplicated (G; older notation c.4219dupG).
Protein change: p.Glu1407fs; shifts the reading frame from glutamic acid 1407.
Molecular consequence: frameshift variant. On other transcripts: non-coding transcript variant (1), intron variant (2).
Genome position (GRCh38, 1-based): chr13:32,338,574, G duplicated. VCF-style (leftmost placement, unchanged base first): chr13-32338573-A-AG. GRCh37 (hg19) VCF-style: chr13-32912710-A-AG.
Other names: c.4219dup, p.Glu1407fs (NM_001406719.1, NM_001406720.1, NM_001432077.1); c.1909+5187dup (NM_001406721.1); c.425-5984dup (NM_001406722.1); c.4219dupG (NM_000059.3); short protein forms E1407fs.
Identifiers: ClinVar variation 4867861 (VCV004867861.1).
Genomic context (GRCh38, chr13:32,338,573, plus strand): 5'-TTTAACTTTTTTGGAAGTTGCGAAAGCTCAAGAAGCATGTCATGGTAATACTTCAAATAA[A>AG]GAACAGTTAACTGCTACTAAAACGGAGCAAAATATAAAAGATTTTGAGACTTCTGATACA-3'